The following is an entry in ClinVar:

ClinVar aggregate classification (germline): Uncertain significance (1 of 4 stars; one submission).

Conditions:
Nephronophthisis 9 (NPHP9). Identifiers: Orphanet 655, MedGen C3151188, MONDO:0013444, OMIM 613824.

Allele frequency attached by ClinVar (database versions not stated): ExAC 0.00006; 1000 Genomes Project 0.00040; ESP Exome Variant Server 0.00008; gnomAD exomes 0.00004; TOPMed 0.00005; gnomAD 0.00009; 1000 Genomes Project 30x 0.00031.

Submission:

Labcorp Genetics (formerly Invitae), Labcorp
Classification: Uncertain significance for Nephronophthisis 9. Last evaluated: 2025-09-21. Review status: criteria provided, single submitter. Criteria: Invitae Variant Classification Sherloc (09022015). Collection method: clinical testing. Allele origin: germline.
Comment: This sequence change replaces aspartic acid, which is acidic and polar, with asparagine, which is neutral and polar, at codon 268 of the NEK8 protein (p.Asp268Asn). This variant is present in population databases (rs150032203, gnomAD 0.01%). This variant has not been reported in the literature in individuals affected with NEK8-related conditions. ClinVar contains an entry for this variant (Variation ID: 3004765). An algorithm developed to predict the effect of missense changes on protein structure and function (PolyPhen-2) suggests that this variant is likely to be tolerated. In summary, the available evidence is currently insufficient to determine the role of this variant in disease. Therefore, it has been classified as a Variant of Uncertain Significance.

NM_178170.3(NEK8):c.802G>A (p.Asp268Asn)

Gene: NEK8 (NIMA related kinase 8; plus strand). Cytogenetic location: 17q11.2.
Variant type: single nucleotide variant.
Coding change: c.802G>A on transcript NM_178170.3 (MANE Select); coding-DNA position 802, G replaced by A.
Protein change: p.Asp268Asn; replaces aspartic acid 268 with asparagine.
Molecular consequence: missense variant.
Genome position (GRCh38, 1-based): chr17:28,737,489, G>A. VCF-style: chr17-28737489-G-A. GRCh37 (hg19) VCF-style: chr17-27064507-G-A.
Other names: short protein forms D268N.
Identifiers: ClinVar variation 3004765 (VCV003004765.3), dbSNP rs150032203, ClinGen allele CA8467166.